The following is an entry in ClinVar:

NM_000492.4(CFTR):c.488del (p.Lys163fs)

Gene: CFTR (CF transmembrane conductance regulator; plus strand). Cytogenetic location: 7q31.2.
Variant type: Deletion.
Coding change: c.488del on transcript NM_000492.4 (MANE Select); coding-DNA position 488, one base deleted (A; older notation c.488delA).
Protein change: p.Lys163fs; shifts the reading frame from lysine 163.
Molecular consequence: frameshift variant.
Genome position (GRCh38, 1-based): chr7:117,531,113, A deleted; the last of 2 consecutive A bases (chr7:117,531,112-117,531,113); deleting either gives the same sequence. VCF-style (leftmost placement, unchanged base first): chr7-117531111-GA-G. GRCh37 (hg19) VCF-style: chr7-117171165-GA-G.
Other names: c.488delA (NM_000492.3); short protein forms K163fs.
Identifiers: ClinVar variation 495951 (VCV000495951.3), dbSNP rs1554379899, ClinGen allele CA658683488.

ClinVar aggregate classification (germline): Pathogenic/Likely pathogenic. Review status: criteria provided, multiple submitters, no conflicts (2 of 4 stars). 3 submissions from 3 submitters: Pathogenic (1); Likely pathogenic (2). Last evaluated 2025-04-08.

Conditions:
CFTR-related disorder (CFTR-RD). Also called: CFTR-related disorders; CFTR-related condition. Identifiers: MedGen C5924204, MONDO:7770004.
Cystic fibrosis (CF). Also called: MUCOVISCIDOSIS. Identifiers: Orphanet 586, MedGen C0010674, MONDO:0009061, OMIM 219700. Disease mechanism: loss of function.

Submissions (3):

Natera, Inc.
Classification: Likely pathogenic for CFTR-related disorders. Last evaluated: 2025-04-08. Review status: criteria provided, single submitter. Criteria: Natera Variant Classification Schema (03/2026). Collection method: clinical testing. Allele origin: germline.
Comment: The c.488delA variant in CFTR is a frameshift variant predicted to shift the reading frame beginning at codon 163 and leads to a stop codon 3 codons downstream. This variant is expected to result in nonsense mediated decay, truncation, or a dysfunctional protein product. This variant is rare in the general population with a frequency below the threshold expected for the associated phenotype(s). Given the available evidence, this variant is classified as Likely Pathogenic.

Mendelics
Classification: Pathogenic for Cystic fibrosis. Last evaluated: 2018-11-05. Review status: criteria provided, single submitter. Criteria: Mendelics Assertion Criteria 2017. Collection method: clinical testing. Allele origin: unknown. Affected: yes.

Women's Health and Genetics/Laboratory Corporation of America, LabCorp
Classification: Likely pathogenic for Cystic fibrosis. Last evaluated: 2016-11-16. Review status: criteria provided, single submitter. Criteria: LabCorp Variant Classification Summary - May 2015. Collection method: clinical testing. Allele origin: germline.
Comment: Variant summary: The CFTR c.488delA (p.Lys163Argfs) variant results in a premature termination codon, predicted to cause a truncated or absent CFTR protein due to nonsense mediated decay, which are commonly known mechanisms for disease. Truncations downstream of this position have been classified as pathogenic by our laboratory (e.g. c.803delA, c.948delT). One in silico tool predicts a damaging outcome for this variant. This variant is absent in 96922 control chromosomes. The variant of interest has not, to our knowledge, been reported in affected individuals via publications and/or reputable databases/clinical diagnostic laboratories; nor evaluated for functional impact by in vivo/vitro studies. Taken together, this variant is classified as likely pathogenic.